The following is an entry in ClinVar:

ClinVar aggregate classification (germline): Uncertain significance (1 of 4 stars; one submission).

Conditions:
Hereditary breast ovarian cancer syndrome. Also called: Hereditary breast and/or ovarian cancer syndrome; BRCA1- and BRCA2-Associated Hereditary Breast and Ovarian Cancer; Hereditary breast and ovarian cancer syndrome; Hereditary breast and ovarian cancer; Hereditary breast and ovarian cancer syndrome (HBOC); Breast and ovarian cancer. Identifiers: Orphanet 145, MedGen C0677776, MeSH D061325, MONDO:0003582. Disease mechanism: loss of function.

Submission:

Labcorp Genetics (formerly Invitae), Labcorp
Classification: Uncertain significance for Hereditary breast ovarian cancer syndrome. Last evaluated: 2021-10-31. Review status: criteria provided, single submitter. Criteria: Invitae Variant Classification Sherloc (09022015). Collection method: clinical testing. Allele origin: germline.
Comment: Algorithms developed to predict the effect of missense changes on protein structure and function output the following: SIFT: "Tolerated"; PolyPhen-2: "Possibly Damaging"; Align-GVGD: "Class C0". The arginine amino acid residue is found in multiple mammalian species, which suggests that this missense change does not adversely affect protein function. This sequence change replaces lysine, which is basic and polar, with arginine, which is basic and polar, at codon 2791 of the BRCA2 protein (p.Lys2791Arg). This variant is not present in population databases (gnomAD no frequency). This variant has not been reported in the literature in individuals affected with BRCA2-related conditions. Algorithms developed to predict the effect of sequence changes on RNA splicing suggest that this variant may create or strengthen a splice site. In summary, the available evidence is currently insufficient to determine the role of this variant in disease. Therefore, it has been classified as a Variant of Uncertain Significance.

NM_000059.4(BRCA2):c.8372A>G (p.Lys2791Arg)

Gene: BRCA2 (BRCA2 DNA repair associated; plus strand). Cytogenetic location: 13q13.1.
Variant type: single nucleotide variant.
Coding change: c.8372A>G on transcript NM_000059.4 (MANE Select); coding-DNA position 8372, A replaced by G.
Protein change: p.Lys2791Arg; replaces lysine 2791 with arginine.
Molecular consequence: missense variant.
Genome position (GRCh38, 1-based): chr13:32,370,442, A>G. VCF-style: chr13-32370442-A-G. GRCh37 (hg19) VCF-style: chr13-32944579-A-G.
Other names: short protein forms K2791R.
Identifiers: ClinVar variation 1423778 (VCV001423778.6), dbSNP rs2137596807, ClinGen allele CA387752443.